The following is an entry in ClinVar:

ClinVar aggregate classification (germline): Uncertain significance. Review status: criteria provided, multiple submitters, no conflicts (2 of 4 stars). 4 submissions from 4 submitters: Uncertain significance (4). Last evaluated 2024-09-27.

Conditions:
Cardiomyopathy (CMYO). Also called: Cardiomyopathies. Identifiers: Orphanet 167848, MedGen C0878544, MONDO:0004994, HP:0001638. Inheritance: Various modes of inheritance.
Arrhythmogenic right ventricular cardiomyopathy (ARVD). Also called: Arrhythmogenic right ventricular dysplasia; Arrhythmogenic cardiomyopathy; Arrhythmogenic Right Ventricular Cardiomyopathy (ARVC); Cardiomyopathy, ARVC. Identifiers: Orphanet 247, MedGen C0349788, MeSH D019571, MONDO:0016587. Disease mechanism: loss of function. Inheritance: Various modes of inheritance.
Arrhythmogenic right ventricular dysplasia 10. Also called: ARRHYTHMOGENIC RIGHT VENTRICULAR DYSPLASIA, FAMILIAL, 10; Arrhythmogenic Right Ventricular Dysplasia/Cardiomyopathy10; Arrhythmogenic right ventricular dysplasia/cardiomyopathy, type 10. Identifiers: MedGen C1857777, MONDO:0012434, OMIM 610193.

Allele frequency attached by ClinVar (database versions not stated): gnomAD exomes 0.00001.

Submissions (4):

Labcorp Genetics (formerly Invitae), Labcorp
Classification: Uncertain significance for Arrhythmogenic right ventricular dysplasia 10. Last evaluated: 2024-09-27. Review status: criteria provided, single submitter. Criteria: Invitae Variant Classification Sherloc (09022015). Collection method: clinical testing. Allele origin: germline.
Comment: This sequence change replaces arginine, which is basic and polar, with cysteine, which is neutral and slightly polar, at codon 261 of the DSG2 protein (p.Arg261Cys). This variant is not present in population databases (gnomAD no frequency). This variant has not been reported in the literature in individuals affected with DSG2-related conditions. ClinVar contains an entry for this variant (Variation ID: 72387). Invitae Evidence Modeling of protein sequence and biophysical properties (such as structural, functional, and spatial information, amino acid conservation, physicochemical variation, residue mobility, and thermodynamic stability) indicates that this missense variant is not expected to disrupt DSG2 protein function with a negative predictive value of 95%. Algorithms developed to predict the effect of sequence changes on RNA splicing suggest that this variant may disrupt the consensus splice site. In summary, the available evidence is currently insufficient to determine the role of this variant in disease. Therefore, it has been classified as a Variant of Uncertain Significance.

All of Us Research Program, National Institutes of Health
Classification: Uncertain significance for Arrhythmogenic right ventricular cardiomyopathy. Last evaluated: 2024-07-29. Review status: criteria provided, single submitter. Criteria: ACMG Guidelines, 2015. Collection method: clinical testing. Allele origin: germline. Inheritance: Autosomal dominant inheritance. Observed: 1 variant allele, 1 heterozygote.
Comment: This missense variant replaces arginine with cysteine at codon 261 of the DSG2 protein. Computational prediction suggests that this variant may not impact protein structure and function (internally defined REVEL score threshold <= 0.5, PMID: 27666373). To our knowledge, functional studies have not been reported for this variant. This variant has not been reported in individuals affected with cardiovascular disorders in the literature. This variant has not been identified in the general population by the Genome Aggregation Database (gnomAD). The available evidence is insufficient to determine the role of this variant in disease conclusively. Therefore, this variant is classified as a Variant of Uncertain Significance.

This study involves interpretation of variants in research participants for the purpose of population health screening. Participant phenotype was not available at the time of variant classification. Additional details can be found in publication PMID: 35346344, PMCID: PMC8962531

Color Diagnostics, LLC DBA Color Health
Classification: Uncertain significance for Cardiomyopathy. Last evaluated: 2024-03-06. Review status: criteria provided, single submitter. Criteria: ACMG Guidelines, 2015. Collection method: clinical testing. Allele origin: germline.
Comment: This missense variant replaces arginine with cysteine at codon 261 of the DSG2 protein. Computational prediction suggests that this variant may not impact protein structure and function (internally defined REVEL score threshold <= 0.5, PMID: 27666373). To our knowledge, functional studies have not been reported for this variant. This variant has not been reported in individuals affected with DSG2-related disorders in the literature. This variant has not been identified in the general population by the Genome Aggregation Database (gnomAD). The available evidence is insufficient to determine the role of this variant in disease conclusively. Therefore, this variant is classified as a Variant of Uncertain Significance.

GeneDx
Classification: Uncertain significance. Last evaluated: 2020-10-16. Review status: criteria provided, single submitter. Criteria: GeneDx Variant Classification Process June 2021. Collection method: clinical testing. Allele origin: germline. Affected: yes.
Comment: Has not been previously published as pathogenic or benign to our knowledge; In silico analysis supports that this missense variant has a deleterious effect on protein structure/function

NM_001943.5(DSG2):c.781C>T (p.Arg261Cys)

Gene: DSG2 (desmoglein 2; plus strand). Cytogenetic location: 18q12.1.
Variant type: single nucleotide variant.
Coding change: c.781C>T on transcript NM_001943.5 (MANE Select); coding-DNA position 781, C replaced by T.
Protein change: p.Arg261Cys; replaces arginine 261 with cysteine.
Molecular consequence: missense variant.
Genome position (GRCh38, 1-based): chr18:31,524,538, C>T. VCF-style: chr18-31524538-C-T. GRCh37 (hg19) VCF-style: chr18-29104501-C-T.
Other names: short protein forms R261C.
Identifiers: ClinVar variation 72387 (VCV000072387.8), dbSNP rs146194893, ClinGen allele CA297731895.